The following is an entry in ClinVar:

NM_001267052.2(UNC45B):c.934C>T (p.Leu312Phe)

Gene: UNC45B (unc-45 myosin chaperone B; plus strand). Cytogenetic location: 17q12.
Variant type: single nucleotide variant.
Coding change: c.934C>T on transcript NM_001267052.2 (MANE Select); coding-DNA position 934, C replaced by T.
Protein change: p.Leu312Phe; replaces leucine 312 with phenylalanine.
Molecular consequence: missense variant.
Genome position (GRCh38, 1-based): chr17:35,159,500, C>T. VCF-style: chr17-35159500-C-T. GRCh37 (hg19) VCF-style: chr17-33486519-C-T.
Other names: c.934C>T (NM_173167.2); c.934C>T, p.Leu312Phe (NM_001033576.2, NM_001308281.1, NM_173167.3); short protein forms L312F.
Identifiers: ClinVar variation 2191435 (VCV002191435.5), dbSNP rs190282323, ClinGen allele CA8500982.

ClinVar aggregate classification (germline): Uncertain significance. Review status: criteria provided, multiple submitters, no conflicts (2 of 4 stars). 2 submissions from 2 submitters: Uncertain significance (2). Last evaluated 2025-08-31.

Conditions:
Inborn genetic diseases. Identifiers: MedGen C0950123, MeSH D030342.

Allele frequency attached by ClinVar (database versions not stated): gnomAD exomes 0.00005; ExAC 0.00010; TOPMed 0.00011; gnomAD 0.00020; 1000 Genomes Project 30x 0.00031; 1000 Genomes Project 0.00040.
gnomAD v4.1: 102 of 1,614,094 alleles (0.0063%); highest among the groups gnomAD compares: Admixed American, 0.088%; no homozygotes.

Submissions (2):

Ambry Genetics
Classification: Uncertain significance for Inborn genetic diseases. Last evaluated: 2025-08-31. Review status: criteria provided, single submitter. Criteria: Ambry Variant Classification Scheme 2023. Collection method: clinical testing. Allele origin: germline.

Labcorp Genetics (formerly Invitae), Labcorp
Classification: Uncertain significance. Last evaluated: 2022-05-10. Review status: criteria provided, single submitter. Criteria: Invitae Variant Classification Sherloc (09022015). Collection method: clinical testing. Allele origin: germline.
Comment: In summary, the available evidence is currently insufficient to determine the role of this variant in disease. Therefore, it has been classified as a Variant of Uncertain Significance. Algorithms developed to predict the effect of missense changes on protein structure and function (SIFT, PolyPhen-2, Align-GVGD) all suggest that this variant is likely to be tolerated. This variant has not been reported in the literature in individuals affected with UNC45B-related conditions. This variant is present in population databases (rs190282323, gnomAD 0.07%). This sequence change replaces leucine, which is neutral and non-polar, with phenylalanine, which is neutral and non-polar, at codon 312 of the UNC45B protein (p.Leu312Phe).